The following is an entry in ClinVar:

ClinVar aggregate classification (germline): Uncertain significance. Review status: criteria provided, multiple submitters, no conflicts (2 of 4 stars). 2 submissions from 2 submitters: Uncertain significance (2). Last evaluated 2025-06-07.

gnomAD v4.1: 42 of 1,613,782 alleles (0.0026%); highest among the groups gnomAD compares: African/African-American, 0.033%; no homozygotes.

Submissions (2):

Ambry Genetics
Classification: Uncertain significance. Last evaluated: 2025-06-07. Review status: criteria provided, single submitter. Criteria: Ambry Variant Classification Scheme 2023. Collection method: clinical testing. Allele origin: germline.

Women's Health and Genetics/Laboratory Corporation of America, LabCorp
Classification: Uncertain significance. Last evaluated: 2025-04-16. Review status: criteria provided, single submitter. Criteria: LabCorp Variant Classification Summary - May 2015. Collection method: clinical testing. Allele origin: germline.
Comment: Variant summary: FLRT3 c.1141T>C (p.Trp381Arg) results in a non-conservative amino acid change in the encoded protein sequence. Three of five in-silico tools predict a benign effect of the variant on protein function. The variant allele was found at a frequency of 4.4e-05 in 250850 control chromosomes. This frequency is not significantly higher than estimated for a pathogenic variant in FLRT3 causing Hypogonadotropic Hypogonadism 21 With Or Without Anosmia, allowing no conclusion about variant significance. To our knowledge, no occurrence of c.1141T>C in individuals affected with Hypogonadotropic Hypogonadism 21 With Or Without Anosmia and no experimental evidence demonstrating its impact on protein function have been reported. No submitters have cited clinical-significance assessments for this variant to ClinVar. Based on the evidence outlined above, the variant was classified as uncertain significance.

NM_198391.3(FLRT3):c.1141T>C (p.Trp381Arg)

Genes: FLRT3 (fibronectin leucine rich transmembrane protein 3; minus strand), MACROD2 (mono-ADP ribosylhydrolase 2; plus strand). Cytogenetic location: 20p12.1.
Variant type: single nucleotide variant.
Coding change: c.1141T>C on transcript NM_198391.3 (MANE Select); coding-DNA position 1141, T replaced by C.
Protein change: p.Trp381Arg; replaces tryptophan 381 with arginine.
Molecular consequence: missense variant. On other transcripts: intron variant (3).
Genome position (GRCh38, 1-based): chr20:14,326,366, A>G on the plus strand (T>C on the coding strand, the complement: FLRT3 is on the minus strand). VCF-style: chr20-14326366-A-G. GRCh37 (hg19) VCF-style: chr20-14307012-A-G.
Other names: c.1141T>C, p.Trp381Arg (NM_013281.4); c.272-167113A>G (NM_001351661.2, NM_001351663.2, NM_080676.6); c.1141T>C (NM_198391.2); short protein forms W381R.
Identifiers: ClinVar variation 3896232 (VCV003896232.3).